The following is an entry in ClinVar:

ClinVar aggregate classification (germline): Uncertain significance (1 of 4 stars; one submission).

Allele frequency attached by ClinVar (database versions not stated): gnomAD exomes below 0.00001.
gnomAD v4.1: 1 of 1,612,876 alleles (0.000062%); highest among the groups gnomAD compares: Admixed American, 0.0017%; no homozygotes.

Submission:

Labcorp Genetics (formerly Invitae), Labcorp
Classification: Uncertain significance. Last evaluated: 2022-01-02. Review status: criteria provided, single submitter. Criteria: Invitae Variant Classification Sherloc (09022015). Collection method: clinical testing. Allele origin: germline.
Comment: In summary, the available evidence is currently insufficient to determine the role of this variant in disease. Therefore, it has been classified as a Variant of Uncertain Significance. Variants that disrupt the consensus splice site are a relatively common cause of aberrant splicing (PMID: 17576681, 9536098). Algorithms developed to predict the effect of sequence changes on RNA splicing suggest that this variant is not likely to affect RNA splicing. This variant has not been reported in the literature in individuals affected with SPEG-related conditions. This variant is present in population databases (no rsID available, gnomAD 0.003%). This sequence change falls in intron 38 of the SPEG gene. It does not directly change the encoded amino acid sequence of the SPEG protein. It affects a nucleotide within the consensus splice site.

Literature cited by the submitters: PubMed 17576681; PubMed 9536098.

NM_005876.5(SPEG):c.9386-3C>T

Genes: ASIC4-AS1 (ASIC4 antisense RNA 1; minus strand), SPEG (striated muscle enriched protein kinase; plus strand). Cytogenetic location: 2q35.
Variant type: single nucleotide variant.
Coding change: c.9386-3C>T on transcript NM_005876.5 (MANE Select); 3 bases into the intron before coding-DNA position 9386, C replaced by T.
Molecular consequence: intron variant.
Genome position (GRCh38, 1-based): chr2:219,491,791, C>T. VCF-style: chr2-219491791-C-T. GRCh37 (hg19) VCF-style: chr2-220356513-C-T.
Identifiers: ClinVar variation 2070067 (VCV002070067.4), dbSNP rs1470266381, ClinGen allele CA539843877.